The following is an entry in ClinVar:

NM_005048.4(PTH2R):c.553G>A (p.Val185Met)

Gene: PTH2R (parathyroid hormone 2 receptor; plus strand). Cytogenetic location: 2q34.
Variant type: single nucleotide variant.
Coding change: c.553G>A on transcript NM_005048.4 (MANE Select); coding-DNA position 553, G replaced by A.
Protein change: p.Val185Met; replaces valine 185 with methionine.
Molecular consequence: missense variant. On other transcripts: non-coding transcript variant (3).
Genome position (GRCh38, 1-based): chr2:208,443,391, G>A. VCF-style: chr2-208443391-G-A. GRCh37 (hg19) VCF-style: chr2-209308116-G-A.
Other names: c.553G>A (NM_005048.3); c.220G>A, p.Val74Met (NM_001309516.2, NM_001371905.1, NM_001371906.1 and 1 more transcripts); short protein forms V185M, V74M.
Identifiers: ClinVar variation 2279018 (VCV002279018.5), dbSNP rs149297616, ClinGen allele CA2081069.

ClinVar aggregate classification (germline): Uncertain significance. Review status: criteria provided, single submitter (1 of 4 stars). 2 submissions from 2 submitters: Uncertain significance (1). 1 of the submissions does not count toward it. Last evaluated 2025-10-23.

Conditions:
PTH2R-related disorder. Also called: PTH2R-related condition.

Allele frequency attached by ClinVar (database versions not stated): 1000 Genomes Project 30x 0.00031; ESP Exome Variant Server 0.00054; gnomAD exomes 0.00032; gnomAD 0.00038; TOPMed 0.00037; 1000 Genomes Project 0.00040; ExAC 0.00052.
gnomAD v4.1: 531 of 1,610,052 alleles (0.033%); highest among the groups gnomAD compares: Non-Finnish European, 0.023%; no homozygotes.

Submissions (2):

Ambry Genetics
Classification: Uncertain significance. Last evaluated: 2025-10-23. Review status: criteria provided, single submitter. Criteria: Ambry Variant Classification Scheme 2023. Collection method: clinical testing. Allele origin: germline.

PreventionGenetics, part of Exact Sciences
Classification: Benign for PTH2R-related condition. Last evaluated: 2019-05-28. Review status: no assertion criteria provided. Collection method: clinical testing. Allele origin: germline. Not counted in ClinVar's aggregate classification.
Comment: This variant is classified as benign based on ACMG/AMP sequence variant interpretation guidelines (Richards et al. 2015 PMID: 25741868, with internal and published modifications).